The following is an entry in ClinVar:

NC_000023.10:g.(?_132838213)_(132888223_?)del

Gene: GPC3 (glypican 3; minus strand). Cytogenetic location: Xq26.2.
Variant type: Deletion.
Identifiers: ClinVar variation 830784 (VCV000830784.1).

ClinVar aggregate classification (germline): Pathogenic (1 of 4 stars; one submission).

Conditions:
Wilms tumor 1 (WT1). Also called: Wilms tumor, somatic. Identifiers: Orphanet 654, MedGen CN033288, MONDO:0008679, OMIM 194070.

Submission:

Labcorp Genetics (formerly Invitae), Labcorp
Classification: Pathogenic for Wilms tumor 1. Last evaluated: 2020-01-06. Review status: criteria provided, single submitter. Criteria: Invitae Variant Classification Sherloc (09022015). Collection method: clinical testing. Allele origin: germline.
Comment: This variant is an out-of-frame deletion of the genomic region encompassing exon 3 of the GPC3 gene. This is expected to create a premature translational stop signal and result in an absent or disrupted protein product. A similar deletion has been reported in a family affected with Simpson Golabi Behmel syndrome (PMID: 8958336). Loss-of-function variants in GPC3 are known to be pathogenic (PMID: 12713262, 17603795). For these reasons, this variant has been classified as Pathogenic.

Literature cited by the submitters: PubMed 8958336.